The following is an entry in ClinVar:

NM_001122630.2(CDKN1C):c.383TCCCGG[3] (p.128VP[3])

Gene: CDKN1C (cyclin dependent kinase inhibitor 1C; minus strand). Cytogenetic location: 11p15.4.
Variant type: Microsatellite.
Coding change: c.383TCCCGG[3] on transcript NM_001122630.2 (MANE Select); three copies in a row of the 6-base unit TCCCGG starting at c.383; the reference has two copies in a row; one copy, 6 bases duplicated.
Protein change: p.128VP[3].
Molecular consequence: inframe insertion. On other transcripts: intron variant (1).
Genome position (GRCh38, 1-based): chr11:2,885,063-2,885,068, CCGGGA duplicated on the plus strand (TCCCGG on the coding strand, the reverse complement: CDKN1C is on the minus strand); duplicating any 6 consecutive bases within chr11:2,885,063-2,885,075 gives the same sequence; the position shown is the placement nearest the transcript's 3' end. VCF-style (leftmost placement, unchanged base first): chr11-2885062-G-GCCGGGA. GRCh37 (hg19) VCF-style: chr11-2906292-G-GCCGGGA.
Other names: c.416TCCCGG[3], p.139VP[3] (NM_000076.2, NM_001362474.2); c.383TCCCGG[3], p.128VP[3] (NM_001122631.2); c.255+128TCCCGG[3] (NM_001362475.2).
Identifiers: ClinVar variation 1017932 (VCV001017932.8), dbSNP rs1848956788, ClinGen allele CA1948368627.

ClinVar aggregate classification (germline): Uncertain significance (1 of 4 stars; one submission).

Conditions:
Beckwith-Wiedemann syndrome (BWS). Also called: EMG SYNDROME; Exomphalos macroglossia gigantism syndrome. Identifiers: Orphanet 116, MedGen C0004903, MONDO:0007534, OMIM 130650.

Submission:

Labcorp Genetics (formerly Invitae), Labcorp
Classification: Uncertain significance for Beckwith-Wiedemann syndrome. Last evaluated: 2020-07-29. Review status: criteria provided, single submitter. Criteria: Invitae Variant Classification Sherloc (09022015). Collection method: clinical testing. Allele origin: germline.
Comment: This variant, c.422_427dup, results in the insertion of 2 amino acid(s) to the CDKN1C protein (p.Val141_Pro142dup), but otherwise preserves the integrity of the reading frame. This variant has not been reported in the literature in individuals with CDKN1C-related conditions. The frequency data for this variant in the population databases is considered unreliable, as metrics indicate insufficient coverage at this position in the ExAC database. Experimental studies and prediction algorithms are not available or were not evaluated, and the functional significance of this variant is currently unknown. In summary, the available evidence is currently insufficient to determine the role of this variant in disease. Therefore, it has been classified as a Variant of Uncertain Significance.